The following is an entry in ClinVar:

NM_001042492.3(NF1):c.2990G>A (p.Arg997Lys)

Gene: NF1 (neurofibromin 1; plus strand). Cytogenetic location: 17q11.2.
Variant type: single nucleotide variant.
Coding change: c.2990G>A on transcript NM_001042492.3 (MANE Select); coding-DNA position 2990, G replaced by A.
Protein change: p.Arg997Lys; replaces arginine 997 with lysine.
Molecular consequence: missense variant.
Genome position (GRCh38, 1-based): chr17:31,229,974, G>A. VCF-style: chr17-31229974-G-A. GRCh37 (hg19) VCF-style: chr17-29556992-G-A.
Other names: c.2990G>A, p.Arg997Lys (NM_000267.4); short protein forms R997K.
Identifiers: ClinVar variation 654334 (VCV000654334.56), dbSNP rs1555614462, ClinGen allele CA398986458.

ClinVar aggregate classification (germline): Pathogenic/Likely pathogenic. Review status: criteria provided, multiple submitters, no conflicts (2 of 4 stars). 8 submissions from 8 submitters: Pathogenic (2); Likely pathogenic (6). Last evaluated 2026-10-06.

Conditions:
Hereditary cancer-predisposing syndrome. Also called: Neoplastic Syndromes, Hereditary; Hereditary neoplastic syndrome; Tumor predisposition; Hereditary Cancer Syndrome. Identifiers: Orphanet 140162, MedGen C0027672, MeSH D009386, MONDO:0015356.
Cardiovascular phenotype. Identifiers: MedGen CN230736.
Neurofibromatosis, type 1 (NF1). Also called: NEUROFIBROMATOSIS, TYPE I, SOMATIC; Peripheral type neurofibromatosis; Neurofibromatosis, type I; VON RECKLINGHAUSEN DISEASE. Identifiers: Orphanet 636, MedGen C0027831, MONDO:0018975, OMIM 162200. Disease mechanism: loss of function.
Juvenile myelomonocytic leukemia (JMML). Also called: LEUKEMIA, JUVENILE MYELOMONOCYTIC, SOMATIC. Identifiers: Orphanet 86834, MedGen C0349639, MONDO:0011908, OMIM 607785, HP:0012209.

Submissions (8):

NHS Central & South Genomic Laboratory Hub
Classification: Pathogenic for Neurofibromatosis type 1. Last evaluated: 2026-10-06. Review status: criteria provided, single submitter. Criteria: ACMG Guidelines, 2015. Collection method: clinical testing. Allele origin: germline. Affected: yes.

GeneDx
Classification: Likely pathogenic. Last evaluated: 2024-12-26. Review status: criteria provided, single submitter. Criteria: GeneDx Variant Classification Process June 2021. Collection method: clinical testing. Allele origin: germline.
Comment: Not observed at significant frequency in large population cohorts (gnomAD); In silico analysis indicates that this missense variant does not alter protein structure/function; In silico analysis is inconclusive as to whether the variant alters gene splicing. In the absence of RNA/functional studies, the actual effect of this sequence change is unknown.; This variant is associated with the following publications: (PMID: 23913538, Kiraz_2023, 28068329, 25486365, 2121369, 29673180, 35121649, 37144690)

Institute of Medical Genetics and Applied Genomics, University Hospital Tübingen
Classification: Likely pathogenic for Neurofibromatosis, type 1. Last evaluated: 2024-12-11. Review status: criteria provided, single submitter. Criteria: ACMG Guidelines, 2015. Collection method: clinical testing. Allele origin: germline. Inheritance: Autosomal dominant inheritance. Affected: yes.

Ambry Genetics
Classification: Pathogenic for Cardiovascular phenotype; Hereditary cancer-predisposing syndrome. Last evaluated: 2024-12-04. Review status: criteria provided, single submitter. Criteria: Ambry Variant Classification Scheme 2023. Collection method: clinical testing. Allele origin: germline.
Comment: The c.2990G>A pathogenic mutation (also known as p.R997K), located in coding exon 22 of the NF1 gene, results from a G to A substitution at nucleotide position 2990. The amino acid change results in arginine to lysine at codon 997, an amino acid with highly similar properties. However, this change occurs in the last base pair of coding exon 22, which makes it likely to have some effect on normal mRNA splicing. This variant was reported in individual(s) with features consistent with neurofibromatosis type 1 (Sabbagh A et al. Hum. Mutat., 2013 Nov;34:1510-8; Ambry internal data). This variant is considered to be rare based on population cohorts in the Genome Aggregation Database (gnomAD). This nucleotide position is highly conserved in available vertebrate species. In silico splice site analysis predicts that this alteration may weaken the native splice donor site. Functional RNA studies showed aberrant splicing resulting in exon skipping (Sabbagh A et al. Hum. Mutat., 2013 Nov;34:1510-8; Ambry internal data) Based on the available evidence, this variant is classified as a pathogenic mutation.

ARUP Laboratories, Molecular Genetics and Genomics, ARUP Laboratories
Classification: Likely pathogenic. Last evaluated: 2024-11-11. Review status: criteria provided, single submitter. Criteria: ARUP Molecular Germline Variant Investigation Process 2024. Collection method: clinical testing. Allele origin: germline.
Comment: The NF1 c.2990G>A; p.Arg997Lys variant (rs1555614462, ClinVar Variation ID: 654334) is reported in the literature in several individuals affected with NF1 or suspected NF1 (Kiraz 2023, Sabbagh 2013, Stella 2018) and in an individual with juvenile myelomonocytic leukemia that also carried a somatic NF1 variant (Wang 2023). This variant is absent from the Genome Aggregation Database (v2.1.1), indicating it is not a common polymorphism. This variant occurs at the last nucleotide of exon 22 and computational analyses (Alamut Visual Plus v.1.5.1) predict that this variant may impact splicing by weakening the nearby canonical donor splice site. Consistent with predictions, mRNA analysis from patient cells indicates this variant leads to skipping of exon 22 (reported as exon 17, Sabbagh 2013). Other variants impacting this splice donor site (c.2990+1G>A, c.2990+1G>C, and c.2990G>C; p.Arg997Thr) have also been reported in patients with clinical features of neurofibromatosis type 1 (Assunto 2019, Palma Milla 2018, Sabbagh 2013). Based on available information, the p.Arg997Lys variant is considered to be likely pathogenic. References: Assunto A et al. Isoform-specific NF1 mRNA levels correlate with disease severity in Neurofibromatosis type 1. Orphanet J Rare Dis. 2019 Nov 15;14(1):261. PMID: 31730495. Kiraz A et al. Detection of Novel NF1 Variants with Next-Generation DNA Sequencing Technology and Genotypeâ€“Phenotype Characteristics of Neurofibromatosis. J Clin Pract Res. 2023; 45(2):152-158. Palma Milla C et al. Neurofibromatosis type I: mutation spectrum of NF1 in spanish patients. Ann Hum Genet. 2018 Nov;82(6):425-436. PMID: 30014477. Sabbagh A et al. NF1 molecular characterization and neurofibromatosis type I genotype-phenotype correlation: the French experience. Hum Mutat. 2013 Nov;34(11):1510-8. PMID: 23913538. Stella A et al. Accurate Classification of NF1 Gene Variants in 84 Italian Patients with Neurofibromatosis Type 1. Genes (Basel). 2018 Apr 17;9(4):216. PMID: 29673180. Wang W et al. Germline Neurofibromin 1 mutation enhances the anti-tumour immune response and decreases juvenile myelomonocytic leukaemia tumourigenicity. Br J Haematol. 2023 Jul;202(2):328-343. PMID: 37144690.

Labcorp Genetics (formerly Invitae), Labcorp
Classification: Likely pathogenic for Neurofibromatosis, type 1. Last evaluated: 2024-04-27. Review status: criteria provided, single submitter. Criteria: Invitae Variant Classification Sherloc (09022015). Collection method: clinical testing. Allele origin: germline.
Comment: This sequence change affects codon 997 of the NF1 mRNA. It is a 'silent' change, meaning that it does not change the encoded amino acid sequence of the NF1 protein. This variant also falls at the last nucleotide of exon 22, which is part of the consensus splice site for this exon. This variant is not present in population databases (gnomAD no frequency). This variant has been observed in individual(s) with neurofibromatosis type 1 (PMID: 23913538, 29673180, 35121649; Invitae). ClinVar contains an entry for this variant (Variation ID: 654334). An algorithm developed to predict the effect of missense changes on protein structure and function (PolyPhen-2) suggests that this variant is likely to be disruptive. Variants that disrupt the consensus splice site are a relatively common cause of aberrant splicing (PMID: 17576681, 9536098). Studies have shown that this variant is associated with inconclusive levels of altered splicing (PMID: 23913538). In summary, the currently available evidence indicates that the variant is pathogenic, but additional data are needed to prove that conclusively. Therefore, this variant has been classified as Likely Pathogenic.

Baylor Genetics
Classification: Likely pathogenic for Juvenile myelomonocytic leukemia. Last evaluated: 2023-04-20. Review status: criteria provided, single submitter. Criteria: ACMG Guidelines, 2015. Collection method: clinical testing. Allele origin: unknown.

Genome-Nilou Lab
Classification: Likely pathogenic for Neurofibromatosis, type 1. Last evaluated: 2022-03-15. Review status: criteria provided, single submitter. Criteria: ACMG Guidelines, 2015. Collection method: clinical testing. Allele origin: germline. Affected: no.

Literature cited by the submitters: PubMed 23913538 (cited by Ambry Genetics and Labcorp Genetics (formerly Invitae), Labcorp); PubMed 29673180 (cited by Labcorp Genetics (formerly Invitae), Labcorp); PubMed 35121649 (cited by Labcorp Genetics (formerly Invitae), Labcorp); PubMed 17576681 (cited by Labcorp Genetics (formerly Invitae), Labcorp); PubMed 9536098 (cited by Labcorp Genetics (formerly Invitae), Labcorp).